The following is an entry in ClinVar:

NC_000006.12:g.(?_135358112)_(135358207_?)del

Gene: AHI1 (Abelson helper integration site 1; minus strand). Cytogenetic location: 6q23.3.
Variant type: Deletion.
Identifiers: ClinVar variation 830948 (VCV000830948.10).

ClinVar aggregate classification (germline): Pathogenic (1 of 4 stars; one submission).

Conditions:
Joubert syndrome. Also called: CEREBELLOPARENCHYMAL DISORDER IV; JOUBERT-BOLTSHAUSER SYNDROME; Familial aplasia of the vermis. Identifiers: Orphanet 475, MedGen C5979921, MONDO:0018772.

Submission:

Labcorp Genetics (formerly Invitae), Labcorp
Classification: Pathogenic for Joubert syndrome. Last evaluated: 2023-05-21. Review status: criteria provided, single submitter. Criteria: Invitae Variant Classification Sherloc (09022015). Collection method: clinical testing. Allele origin: germline.
Comment: For these reasons, this variant has been classified as Pathogenic. This variant has not been reported in the literature in individuals affected with AHI1-related conditions. This variant is a gross deletion of the genomic region encompassing exon(s) 23 of the AHI1 gene. This deletion is out-of-frame, and is expected to create a premature termination codon and result in an absent or disrupted protein product. Loss-of-function variants in AHI1 are known to be pathogenic (PMID: 15322546, 16453322, 28442542, 29186038).

Literature cited by the submitters: PubMed 15322546; PubMed 16453322; PubMed 28442542; PubMed 29186038.